The following is an entry in ClinVar:

NM_001903.5(CTNNA1):c.859-10T>C

Gene: CTNNA1 (catenin alpha 1; plus strand). Cytogenetic location: 5q31.2.
Variant type: single nucleotide variant.
Coding change: c.859-10T>C on transcript NM_001903.5 (MANE Select); 10 bases into the intron before coding-DNA position 859, T replaced by C.
Molecular consequence: intron variant.
Genome position (GRCh38, 1-based): chr5:138,827,505, T>C. VCF-style: chr5-138827505-T-C. GRCh37 (hg19) VCF-style: chr5-138163194-T-C.
Other names: c.859-10T>C (NM_001323982.2, NM_001323984.2, NM_001290307.3 and 3 more transcripts); c.490-10T>C (NM_001290310.3); c.550-10T>C (NM_001290309.3).
Identifiers: ClinVar variation 3773272 (VCV003773272.1).

ClinVar aggregate classification (germline): Likely benign (1 of 4 stars; one submission).

Conditions:
Hereditary diffuse gastric adenocarcinoma (HDGC). Also called: DIFFUSE GASTRIC AND LOBULAR BREAST CANCER SYNDROME. Identifiers: Orphanet 26106, MedGen C1708349, MONDO:0007648, OMIM 137215.

Submission:

Myriad Genetics, Inc.
Classification: Likely benign for Hereditary diffuse gastric adenocarcinoma. Last evaluated: 2024-10-10. Review status: criteria provided, single submitter. Criteria: Myriad Autosomal Dominant, Autosomal Recessive and X-Linked Classification Criteria (2023). Collection method: clinical testing. Allele origin: unknown.
Comment: This variant is considered likely benign. This variant is intronic and is not expected to impact mRNA splicing.